The following is an entry in ClinVar:

ClinVar aggregate classification (germline): Benign. Review status: criteria provided, multiple submitters, no conflicts (2 of 4 stars). 2 submissions from 2 submitters: Benign (2). Last evaluated 2018-01-12.

Conditions:
Retinitis pigmentosa (RP). Identifiers: Orphanet 791, MedGen C0035334, MeSH D012174, MONDO:0019200, OMIM 268000. Inheritance: Autosomal dominant, autosomal recessive and X linked inheritance.

Allele frequency attached by ClinVar (database versions not stated): 1000 Genomes Project 30x 0.49266; 1000 Genomes Project 0.49541; gnomAD 0.55841; TOPMed 0.56047; gnomAD exomes 0.58000.

Submissions (2):

Illumina Laboratory Services, Illumina
Classification: Benign for Retinitis pigmentosa. Last evaluated: 2018-01-12. Review status: criteria provided, single submitter. Criteria: ICSL Variant Classification Criteria 13 December 2019. Collection method: clinical testing. Allele origin: germline.
Comment: This variant was observed in the ICSL laboratory as part of a predisposition screen in an ostensibly healthy population. It had not been previously curated by ICSL or reported in the Human Gene Mutation Database (HGMD: prior to June 1st, 2018), and was therefore a candidate for classification through an automated scoring system. Utilizing variant allele frequency, disease prevalence and penetrance estimates, and inheritance mode, an automated score was calculated to assess if this variant is too frequent to cause the disease. Based on the score and internal cut-off values, a variant classified as benign is not then subjected to further curation. The score for this variant resulted in a classification of benign for this disease.

Breakthrough Genomics
Classification: Benign. Review status: criteria provided, single submitter. Criteria: ACMG Guidelines, 2015. Collection method: not provided. Allele origin: germline. Inheritance: Unknown mechanism. Affected: yes.

NM_001029883.3(PCARE):c.*2754A>G

Gene: PCARE (photoreceptor cilium actin regulator; minus strand). Cytogenetic location: 2p23.2.
Variant type: single nucleotide variant.
Coding change: c.*2754A>G on transcript NM_001029883.3 (MANE Select); 2754 bases downstream of the stop codon, A replaced by G.
Molecular consequence: 3 prime UTR variant.
Genome position (GRCh38, 1-based): chr2:29,062,115, T>C on the plus strand (A>G on the coding strand, the complement: PCARE is on the minus strand). VCF-style: chr2-29062115-T-C. GRCh37 (hg19) VCF-style: chr2-29284981-T-C.
Identifiers: ClinVar variation 335575 (VCV000335575.6), dbSNP rs10187620, ClinGen allele CA10614927.